The following is an entry in ClinVar:

ClinVar aggregate classification (germline): Uncertain significance (1 of 4 stars; one submission).

Submission:

Labcorp Genetics (formerly Invitae), Labcorp
Classification: Uncertain significance. Last evaluated: 2025-07-18. Review status: criteria provided, single submitter. Criteria: Invitae Variant Classification Sherloc (09022015). Collection method: clinical testing. Allele origin: germline.
Comment: This sequence change replaces methionine, which is neutral and non-polar, with threonine, which is neutral and polar, at codon 61 of the KCNH1 protein (p.Met61Thr). This variant is not present in population databases (gnomAD no frequency). This variant has not been reported in the literature in individuals affected with KCNH1-related conditions. Invitae Evidence Modeling of protein sequence and biophysical properties (such as structural, functional, and spatial information, amino acid conservation, physicochemical variation, residue mobility, and thermodynamic stability) has been performed for this missense variant. However, the output from this modeling did not meet the statistical confidence thresholds required to predict the impact of this variant on KCNH1 protein function. In summary, the available evidence is currently insufficient to determine the role of this variant in disease. Therefore, it has been classified as a Variant of Uncertain Significance.

NM_172362.3(KCNH1):c.182T>C (p.Met61Thr)

Gene: KCNH1 (potassium voltage-gated channel subfamily H member 1; minus strand). Cytogenetic location: 1q32.2.
Variant type: single nucleotide variant.
Coding change: c.182T>C on transcript NM_172362.3 (MANE Select); coding-DNA position 182, T replaced by C.
Protein change: p.Met61Thr; replaces methionine 61 with threonine.
Molecular consequence: missense variant.
Genome position (GRCh38, 1-based): chr1:211,107,275, A>G on the plus strand (T>C on the coding strand, the complement: KCNH1 is on the minus strand). VCF-style: chr1-211107275-A-G. GRCh37 (hg19) VCF-style: chr1-211280617-A-G.
Other names: c.182T>C, p.Met61Thr (NM_002238.4); short protein forms M61T.
Identifiers: ClinVar variation 4800019 (VCV004800019.1).